The following is an entry in ClinVar:

ClinVar aggregate classification (germline): Uncertain significance. Review status: criteria provided, multiple submitters, no conflicts (2 of 4 stars). 3 submissions from 3 submitters: Uncertain significance (3). Last evaluated 2024-03-24.

Conditions:
Hereditary nonpolyposis colorectal neoplasms. Identifiers: MedGen C0009405, MeSH D003123.
Lynch syndrome. Identifiers: Orphanet 144, MedGen C4552100, MONDO:0005835. Disease mechanism: loss of function.
Hereditary cancer-predisposing syndrome. Also called: Hereditary Cancer Syndrome; Hereditary neoplastic syndrome; Tumor predisposition; Neoplastic Syndromes, Hereditary. Identifiers: Orphanet 140162, MedGen C0027672, MeSH D009386, MONDO:0015356.

Submissions (3):

All of Us Research Program, National Institutes of Health
Classification: Uncertain significance for Lynch syndrome. Last evaluated: 2024-03-24. Review status: criteria provided, single submitter. Criteria: ACMG Guidelines, 2015. Collection method: clinical testing. Allele origin: germline. Inheritance: Autosomal dominant inheritance. Observed: 1 variant allele, 1 heterozygote.
Comment: This missense variant replaces lysine with glutamic acid at codon 157 of the MSH6 protein. Computational prediction suggests that this variant may not impact protein structure and function (internally defined REVEL score threshold <= 0.5, PMID: 27666373). To our knowledge, functional studies have not been reported for this variant. This variant has not been reported in individuals affected with MSH6-related disorders in the literature. This variant has not been identified in the general population by the Genome Aggregation Database (gnomAD). The available evidence is insufficient to determine the role of this variant in disease conclusively. Therefore, this variant is classified as a Variant of Uncertain Significance.

This study involves interpretation of variants in research participants for the purpose of population health screening. Participant phenotype was not available at the time of variant classification. Additional details can be found in publication PMID: 35346344, PMCID: PMC8962531

Labcorp Genetics (formerly Invitae), Labcorp
Classification: Uncertain significance for Hereditary nonpolyposis colorectal neoplasms. Last evaluated: 2019-03-28. Review status: criteria provided, single submitter. Criteria: Invitae Variant Classification Sherloc (09022015). Collection method: clinical testing. Allele origin: germline.
Comment: This sequence change replaces lysine with glutamic acid at codon 157 of the MSH6 protein (p.Lys157Glu). The lysine residue is moderately conserved and there is a small physicochemical difference between lysine and glutamic acid. In summary, the available evidence is currently insufficient to determine the role of this variant in disease. Therefore, it has been classified as a Variant of Uncertain Significance. Algorithms developed to predict the effect of missense changes on protein structure and function are either unavailable or do not agree on the potential impact of this missense change (SIFT: "Tolerated"; PolyPhen-2: "Possibly Damaging"; Align-GVGD: "Class C0"). This variant has not been reported in the literature in individuals with MSH6-related conditions. This variant is not present in population databases (ExAC no frequency).

Ambry Genetics
Classification: Uncertain significance for Hereditary cancer-predisposing syndrome. Last evaluated: 2017-10-13. Review status: criteria provided, single submitter. Criteria: Ambry Variant Classification Scheme 2023. Collection method: clinical testing. Allele origin: germline.
Comment: The p.K157E variant (also known as c.469A>G), located in coding exon 3 of the MSH6 gene, results from an A to G substitution at nucleotide position 469. The lysine at codon 157 is replaced by glutamic acid, an amino acid with similar properties. This amino acid position is not well conserved in available vertebrate species. In addition, this alteration is predicted to be tolerated by in silico analysis. In addition, the CoDP in silico tool predicts this alteration to have a minor impact on molecular function, with a score of 0.000 (Terui H et al. J. Biomed. Sci. 2013 Apr;20:25). Since supporting evidence is limited at this time, the clinical significance of this alteration remains unclear.

NM_000179.3(MSH6):c.469A>G (p.Lys157Glu)

Gene: MSH6 (mutS homolog 6; plus strand). Cytogenetic location: 2p16.3.
Variant type: single nucleotide variant.
Coding change: c.469A>G on transcript NM_000179.3 (MANE Select); coding-DNA position 469, A replaced by G.
Protein change: p.Lys157Glu; replaces lysine 157 with glutamic acid.
Molecular consequence: missense variant. On other transcripts: 5 prime UTR variant (1), intron variant (2).
Genome position (GRCh38, 1-based): chr2:47,795,905, A>G. VCF-style: chr2-47795905-A-G. GRCh37 (hg19) VCF-style: chr2-48023044-A-G.
Other names: c.-434A>G (NM_001281494.2); c.-279-2706A>G (NM_001281493.2); c.238-2706A>G (NM_001281492.2); short protein forms K157E.
Identifiers: ClinVar variation 843329 (VCV000843329.13), dbSNP rs1572716094, ClinGen allele CA346738578.
Genomic context (GRCh38, chr2:47,795,905, plus strand): 5'-TGAGCCTCTGCACCCGGCCCTTATTGTTTATAAATACATTTCTTTCTAGGTTCAAAATCA[A>G]AGGAAGCCCAGAAGGGAGGTCATTTTTACAGTGCAAAGCCTGAAATACTGAGAGCAATGC-3'
Protein context (NP_000170.1, residues 147-167): LLKPYTGSKS[Lys157Glu]EAQKGGHFYS